The following is an entry in ClinVar:

ClinVar aggregate classification (germline): Uncertain significance (1 of 4 stars; one submission).

Conditions:
Primary ciliary dyskinesia. Also called: Ciliary dyskinesia. Identifiers: Orphanet 244, MedGen C0008780, MONDO:0016575, HP:0012265.

Submission:

Ambry Genetics
Classification: Uncertain significance for Primary ciliary dyskinesia. Last evaluated: 2023-03-19. Review status: criteria provided, single submitter. Criteria: Ambry Variant Classification Scheme 2023. Collection method: clinical testing. Allele origin: germline.
Comment: The p.R423T variant (also known as c.1268G>C), located in coding exon 3 of the RSPH4A gene, results from a G to C substitution at nucleotide position 1268. The arginine at codon 423 is replaced by threonine, an amino acid with similar properties. This amino acid position is conserved. In addition, this alteration is predicted to be tolerated by in silico analysis. Since supporting evidence is limited at this time, the clinical significance of this alteration remains unclear.

NM_001010892.3(RSPH4A):c.1268G>C (p.Arg423Thr)

Gene: RSPH4A (radial spoke head component 4A; plus strand). Cytogenetic location: 6q22.1.
Variant type: single nucleotide variant.
Coding change: c.1268G>C on transcript NM_001010892.3 (MANE Select); coding-DNA position 1268, G replaced by C.
Protein change: p.Arg423Thr; replaces arginine 423 with threonine.
Molecular consequence: missense variant.
Genome position (GRCh38, 1-based): chr6:116,627,975, G>C. VCF-style: chr6-116627975-G-C. GRCh37 (hg19) VCF-style: chr6-116949138-G-C.
Other names: c.1268G>C, p.Arg423Thr (NM_001161664.2); short protein forms R423T.
Identifiers: ClinVar variation 2564170 (VCV002564170.2), dbSNP rs2115361973, ClinGen allele CA365405165.